The following is an entry in ClinVar:

ClinVar aggregate classification (germline): Uncertain significance (1 of 4 stars; one submission).

Allele frequency attached by ClinVar (database versions not stated): gnomAD exomes 0.00001 and 0.00002; gnomAD 0.00003.
gnomAD v4.1: 27 of 1,612,218 alleles (0.0017%); highest among the groups gnomAD compares: African/African-American, 0.0053%; no homozygotes.

Submission:

Labcorp Genetics (formerly Invitae), Labcorp
Classification: Uncertain significance. Last evaluated: 2022-08-19. Review status: criteria provided, single submitter. Criteria: Invitae Variant Classification Sherloc (09022015). Collection method: clinical testing. Allele origin: germline.
Comment: This sequence change replaces arginine, which is basic and polar, with tryptophan, which is neutral and slightly polar, at codon 147 of the CEP250 protein (p.Arg147Trp). This variant is present in population databases (no rsID available, gnomAD 0.006%). This variant has not been reported in the literature in individuals affected with CEP250-related conditions. ClinVar contains an entry for this variant (Variation ID: 1064320). Algorithms developed to predict the effect of missense changes on protein structure and function are either unavailable or do not agree on the potential impact of this missense change (SIFT: "Not Available"; PolyPhen-2: "Probably Damaging"; Align-GVGD: "Not Available"). In summary, the available evidence is currently insufficient to determine the role of this variant in disease. Therefore, it has been classified as a Variant of Uncertain Significance.

NM_007186.6(CEP250):c.439C>T (p.Arg147Trp)

Gene: CEP250 (centrosomal protein 250; plus strand). Cytogenetic location: 20q11.22.
Variant type: single nucleotide variant.
Coding change: c.439C>T on transcript NM_007186.6 (MANE Select); coding-DNA position 439, C replaced by T.
Protein change: p.Arg147Trp; replaces arginine 147 with tryptophan.
Molecular consequence: missense variant. On other transcripts: 5 prime UTR variant (1).
Genome position (GRCh38, 1-based): chr20:35,466,151, C>T. VCF-style: chr20-35466151-C-T. GRCh37 (hg19) VCF-style: chr20-34053976-C-T.
Other names: c.-1461C>T (NM_001318219.1); short protein forms R147W.
Identifiers: ClinVar variation 1064320 (VCV001064320.6), dbSNP rs941233169, ClinGen allele CA314146548.